The following is an entry in ClinVar:

NM_017617.5(NOTCH1):c.6668T>C (p.Phe2223Ser)

Gene: NOTCH1 (notch receptor 1; minus strand). Cytogenetic location: 9q34.3.
Variant type: single nucleotide variant.
Coding change: c.6668T>C on transcript NM_017617.5 (MANE Select); coding-DNA position 6668, T replaced by C.
Protein change: p.Phe2223Ser; replaces phenylalanine 2223 with serine.
Molecular consequence: missense variant.
Genome position (GRCh38, 1-based): chr9:136,497,071, A>G on the plus strand (T>C on the coding strand, the complement: NOTCH1 is on the minus strand). VCF-style: chr9-136497071-A-G. GRCh37 (hg19) VCF-style: chr9-139391523-A-G.
Other names: short protein forms F2223S.
Identifiers: ClinVar variation 1010210 (VCV001010210.8), dbSNP rs1842928462, ClinGen allele CA375630862.

ClinVar aggregate classification (germline): Uncertain significance (1 of 4 stars; one submission).

Conditions:
Adams-Oliver syndrome 5 (AOS5). Identifiers: Orphanet 974, MedGen C4014970, MONDO:0014459, OMIM 616028.

Submission:

Labcorp Genetics (formerly Invitae), Labcorp
Classification: Uncertain significance for Adams-Oliver syndrome 5. Last evaluated: 2020-09-25. Review status: criteria provided, single submitter. Criteria: Invitae Variant Classification Sherloc (09022015). Collection method: clinical testing. Allele origin: germline.
Comment: Advanced modeling of protein sequence and biophysical properties (such as structural, functional, and spatial information, amino acid conservation, physicochemical variation, residue mobility, and thermodynamic stability) performed at Invitae indicates that this missense variant is not expected to disrupt NOTCH1 protein function. This sequence change replaces phenylalanine with serine at codon 2223 of the NOTCH1 protein (p.Phe2223Ser). The phenylalanine residue is highly conserved and there is a large physicochemical difference between phenylalanine and serine. This variant is not present in population databases (ExAC no frequency). This variant has not been reported in the literature in individuals with NOTCH1-related conditions. In summary, the available evidence is currently insufficient to determine the role of this variant in disease. Therefore, it has been classified as a Variant of Uncertain Significance.